The following is an entry in ClinVar:

ClinVar aggregate classification (germline): not provided (0 of 4 stars; one submission).

Conditions:
Normal pregnancy. Identifiers: MedGen C0232989.

Submission:

Institute of Molecular and Cell Biology, University of Tartu
No classification provided. Condition: Normal pregnancy. Review status: no classification provided. Collection method: case-control. Allele origin: unknown. Affected: yes. Study: Kasak2014.
Comment: The study aimed to determine the contribution of copy number variants in the genetic etiology of normal and complicated pregnancies. The samples represented (i) maternal blood DNA drawn from healthy pregnant women during 1st or 2nd trimester and (ii) maternal and paternal blood DNA drawn at term pregnancy cases representing normal and complicated gestations (severe preeclampsia, PE; gestational diabetes, GD; small-for-gestational age newborn, SGA; large-for-gestational age newborn, LGA). We performed CNV calling based on genome-wide genotyping dataset (Illumina HumanOmniExpress-24-v1 BeadChip) by applying three algorithms, QuantiSNP, GADA (Genome Alteration Detection Algorithm) and CNstream in parallel. The acquired CNV calls were merged with HD-CNV (Hotspot Detector for Copy Number Variants) program and only the CNVs predicted by at least two programs, were considered in subsequent analysis.

Literature cited by the submitters: PubMed 25666259.

Single allele

Genes: LINC02510 (long intergenic non-protein coding RNA 2510; plus strand), LINC02511 (long intergenic non-protein coding RNA 2511; minus strand). Cytogenetic location: 4q28.3.
Variant type: Deletion.
Identifiers: ClinVar variation 156934 (VCV000156934.2).